The following is an entry in ClinVar:

NM_181078.3(IL21R):c.76T>C (p.Tyr26His)

Gene: IL21R (interleukin 21 receptor; plus strand). Cytogenetic location: 16p12.1.
Variant type: single nucleotide variant.
Coding change: c.76T>C on transcript NM_181078.3 (MANE Select); coding-DNA position 76, T replaced by C.
Protein change: p.Tyr26His; replaces tyrosine 26 with histidine.
Molecular consequence: missense variant.
Genome position (GRCh38, 1-based): chr16:27,434,373, T>C. VCF-style: chr16-27434373-T-C. GRCh37 (hg19) VCF-style: chr16-27445694-T-C.
Other names: c.76T>C, p.Tyr26His (NM_021798.4); c.142T>C, p.Tyr48His (NM_181079.5); short protein forms Y26H, Y48H.
Identifiers: ClinVar variation 846065 (VCV000846065.1), dbSNP rs1021436946, ClinGen allele CA279696050.

ClinVar aggregate classification (germline): Uncertain significance (1 of 4 stars; one submission).

Conditions:
Cryptosporidiosis-chronic cholangitis-liver disease syndrome. Also called: IL21R immunodeficiency; Immunodeficiency type 56. Identifiers: Orphanet 357329, MedGen C3554687, MONDO:0014082, OMIM 615207.

Allele frequency attached by ClinVar (database versions not stated): gnomAD 0.00001; TOPMed 0.00001; gnomAD exomes below 0.00001.
gnomAD v4.1: 1 of 1,613,808 alleles (0.000062%); highest among the groups gnomAD compares: Non-Finnish European, 0.000085%; no homozygotes.

Submission:

Labcorp Genetics (formerly Invitae), Labcorp
Classification: Uncertain significance for IL21R immunodeficiency. Last evaluated: 2019-03-22. Review status: criteria provided, single submitter. Criteria: Invitae Variant Classification Sherloc (09022015). Collection method: clinical testing. Allele origin: germline.
Comment: This sequence change replaces tyrosine with histidine at codon 26 of the IL21R protein (p.Tyr26His). The tyrosine residue is moderately conserved and there is a moderate physicochemical difference between tyrosine and histidine. This variant is not present in population databases (ExAC no frequency). This variant has not been reported in the literature in individuals with IL21R-related conditions. Algorithms developed to predict the effect of missense changes on protein structure and function are either unavailable or do not agree on the potential impact of this missense change (SIFT: "Tolerated"; PolyPhen-2: "Probably Damaging"; Align-GVGD: "Class C0"). In summary, the available evidence is currently insufficient to determine the role of this variant in disease. Therefore, it has been classified as a Variant of Uncertain Significance.